The following is an entry in ClinVar:

ClinVar aggregate classification (germline): Uncertain significance (1 of 4 stars; one submission).

Submission:

GeneDx
Classification: Uncertain significance. Last evaluated: 2026-04-14. Review status: criteria provided, single submitter. Criteria: GeneDx Variant Classification Process June 2021. Collection method: clinical testing. Allele origin: germline.
Comment: Not observed at significant frequency in large population cohorts (gnomAD); Nonsense variant predicted to result in protein truncation or nonsense mediated decay in a gene or region of a gene for which loss of function is not a well-established mechanism of disease; Has not been previously published as pathogenic or benign to our knowledge

NM_017446.4(MRPL39):c.705C>A (p.Tyr235Ter)

Gene: MRPL39 (mitochondrial ribosomal protein L39; minus strand). Cytogenetic location: 21q21.3.
Variant type: single nucleotide variant.
Coding change: c.705C>A on transcript NM_017446.4 (MANE Select); coding-DNA position 705, C replaced by A.
Protein change: p.Tyr235Ter; replaces tyrosine 235 with a stop codon.
Molecular consequence: nonsense.
Genome position (GRCh38, 1-based): chr21:25,593,955, G>T on the plus strand (C>A on the coding strand, the complement: MRPL39 is on the minus strand). VCF-style: chr21-25593955-G-T. GRCh37 (hg19) VCF-style: chr21-26966267-G-T.
Other names: c.705C>A, p.Tyr235Ter (NM_080794.4); short protein forms Y235*.
Identifiers: ClinVar variation 5037198 (VCV005037198.1).